The following is an entry in ClinVar:

NM_022041.4(GAN):c.484C>G (p.Arg162Gly)

Gene: GAN (gigaxonin; plus strand). Cytogenetic location: 16q23.2.
Variant type: single nucleotide variant.
Coding change: c.484C>G on transcript NM_022041.4 (MANE Select); coding-DNA position 484, C replaced by G.
Protein change: p.Arg162Gly; replaces arginine 162 with glycine.
Molecular consequence: missense variant. On other transcripts: 5 prime UTR variant (1).
Genome position (GRCh38, 1-based): chr16:81,354,606, C>G. VCF-style: chr16-81354606-C-G. GRCh37 (hg19) VCF-style: chr16-81388211-C-G.
Other names: c.-156C>G (NM_001377486.1); short protein forms R162G.
Identifiers: ClinVar variation 1897780 (VCV001897780.5), dbSNP rs1300267158, ClinGen allele CA396868582.
Genomic context (GRCh38, chr16:81,354,606, plus strand): 5'-CTACATTACTGCCTCCATCACGTTCATTACCTTGCCACAGAATACCTGGAGACTCATTTC[C>G]GAGACGTCAGCAGCACGGAAGAATTCTTAGAGCTGAGTCCTCAAAAGCTTAAAGAAGTGA-3'
Protein context (NP_071324.1, residues 152-172): LATEYLETHF[Arg162Gly]DVSSTEEFLE

ClinVar aggregate classification (germline): Uncertain significance (1 of 4 stars; one submission).

Conditions:
Giant axonal neuropathy 1 (GAN1). Also called: GIANT AXONAL NEUROPATHY 1, AUTOSOMAL RECESSIVE; GAN-Related Neurodegeneration. Identifiers: Orphanet 643, MedGen C1850386, MONDO:0009749, OMIM 256850.

gnomAD v4.1: 1 of 1,614,000 alleles (0.000062%); highest among the groups gnomAD compares: Non-Finnish European, 0.000085%; no homozygotes.

Submission:

Labcorp Genetics (formerly Invitae), Labcorp
Classification: Uncertain significance for Giant axonal neuropathy 1. Last evaluated: 2022-05-11. Review status: criteria provided, single submitter. Criteria: Invitae Variant Classification Sherloc (09022015). Collection method: clinical testing. Allele origin: germline.
Comment: In summary, the available evidence is currently insufficient to determine the role of this variant in disease. Therefore, it has been classified as a Variant of Uncertain Significance. Algorithms developed to predict the effect of missense changes on protein structure and function (SIFT, PolyPhen-2, Align-GVGD) all suggest that this variant is likely to be tolerated. This variant has not been reported in the literature in individuals affected with GAN-related conditions. This variant is not present in population databases (gnomAD no frequency). This sequence change replaces arginine, which is basic and polar, with glycine, which is neutral and non-polar, at codon 162 of the GAN protein (p.Arg162Gly).